The following is an entry in ClinVar:

NM_004006.3(DMD):c.9415A>C (p.Lys3139Gln)

Gene: DMD (dystrophin; minus strand). Cytogenetic location: Xp21.2.
Variant type: single nucleotide variant.
Coding change: c.9415A>C on transcript NM_004006.3 (MANE Select); coding-DNA position 9415, A replaced by C.
Protein change: p.Lys3139Gln; replaces lysine 3139 with glutamine.
Molecular consequence: missense variant.
Genome position (GRCh38, 1-based): chrX:31,209,646, T>G on the plus strand (A>C on the coding strand, the complement: DMD is on the minus strand). VCF-style: chrX-31209646-T-G. GRCh37 (hg19) VCF-style: chrX-31227763-T-G.
Other names: c.9391A>C, p.Lys3131Gln (NM_000109.4); c.9403A>C, p.Lys3135Gln (NM_004009.3); c.9046A>C, p.Lys3016Gln (NM_004010.3); c.5392A>C, p.Lys1798Gln (NM_004011.4); c.5383A>C, p.Lys1795Gln (NM_004012.4); c.2035A>C, p.Lys679Gln (NM_004013.3, NM_004020.4, NM_004021.3 and 2 more transcripts); c.1228A>C, p.Lys410Gln (NM_004014.3); c.211A>C, p.Lys71Gln (NM_004015.3, NM_004016.3, NM_004017.3 and 2 more transcripts); short protein forms K3139Q, K679Q, K1795Q, K410Q, K71Q, K1798Q, K3016Q, K3135Q.
Identifiers: ClinVar variation 409898 (VCV000409898.10), dbSNP rs1060502628, ClinGen allele CA16616657.

ClinVar aggregate classification (germline): Uncertain significance. Review status: criteria provided, single submitter (1 of 4 stars). 2 submissions from 2 submitters: Uncertain significance (1). 1 of the submissions does not count toward it. Last evaluated 2022-02-24.

Conditions:
Becker muscular dystrophy (BMD). Also called: MUSCULAR DYSTROPHY, PSEUDOHYPERTROPHIC PROGRESSIVE, BECKER TYPE; Becker Muscular Dystrophy (BMD). Identifiers: Orphanet 98895, MedGen C0917713, MONDO:0010311, OMIM 300376.
Cardiomyopathy (CMYO). Also called: Cardiomyopathies. Identifiers: Orphanet 167848, MedGen C0878544, MONDO:0004994, HP:0001638. Inheritance: Various modes of inheritance.
Duchenne muscular dystrophy (DMD). Also called: MUSCULAR DYSTROPHY, PSEUDOHYPERTROPHIC PROGRESSIVE, DUCHENNE TYPE; Duchenne Muscular Dystrophy (DMD). Identifiers: Orphanet 98896, MedGen C0013264, MONDO:0010679, OMIM 310200.
Dystrophin deficiency.

Submissions (2):

Labcorp Genetics (formerly Invitae), Labcorp
Classification: Uncertain significance for Duchenne muscular dystrophy. Last evaluated: 2022-02-24. Review status: criteria provided, single submitter. Criteria: Invitae Variant Classification Sherloc (09022015). Collection method: clinical testing. Allele origin: germline.
Comment: This sequence change replaces lysine, which is basic and polar, with glutamine, which is neutral and polar, at codon 3139 of the DMD protein (p.Lys3139Gln). This variant is not present in population databases (gnomAD no frequency). This variant has not been reported in the literature in individuals affected with DMD-related conditions. ClinVar contains an entry for this variant (Variation ID: 409898). Algorithms developed to predict the effect of missense changes on protein structure and function are either unavailable or do not agree on the potential impact of this missense change (SIFT: "Deleterious"; PolyPhen-2: "Benign"; Align-GVGD: "Class C0"). In summary, the available evidence is currently insufficient to determine the role of this variant in disease. Therefore, it has been classified as a Variant of Uncertain Significance.

Natera, Inc.
Classification: Uncertain significance for Becker muscular dystrophy; Cardiomyopathy; Duchenne muscular dystrophy; Dystrophin deficiency. Last evaluated: 2021-10-07. Review status: no assertion criteria provided. Collection method: clinical testing. Allele origin: germline. Not counted in ClinVar's aggregate classification.